The following is an entry in ClinVar:

NM_001369.3(DNAH5):c.7259_7260delinsTATAAGAGACAGT (p.Glu2420delinsValTer)

Gene: DNAH5 (dynein axonemal heavy chain 5; minus strand). Cytogenetic location: 5p15.2.
Variant type: Indel.
Coding change: c.7259_7260delinsTATAAGAGACAGT on transcript NM_001369.3 (MANE Select); coding-DNA positions 7259 to 7260, AA replaced by TATAAGAGACAGT.
Protein change: p.Glu2420delinsValTer.
Molecular consequence: nonsense.
Genome position (GRCh38, 1-based): chr5:13,811,794-13,811,795, TT replaced by ACTGTCTCTTATA on the plus strand (AA replaced by TATAAGAGACAGT on the coding strand, the reverse complement: DNAH5 is on the minus strand). VCF-style: chr5-13811794-TT-ACTGTCTCTTATA. GRCh37 (hg19) VCF-style: chr5-13811903-TT-ACTGTCTCTTATA.
Identifiers: ClinVar variation 5016359 (VCV005016359.1).

ClinVar aggregate classification (germline): Pathogenic (1 of 4 stars; one submission).

Conditions:
Primary ciliary dyskinesia 3. Identifiers: Orphanet 244, MedGen C1837618, MONDO:0012085, OMIM 608644.

Submission:

Myriad Genetics, Inc.
Classification: Pathogenic for Primary ciliary dyskinesia 3. Last evaluated: 2024-05-14. Review status: criteria provided, single submitter. Criteria: Myriad Autosomal Dominant, Autosomal Recessive and X-Linked Classification Criteria (2023). Collection method: clinical testing. Allele origin: unknown.
Comment: NM_001369.2(DNAH5):c.7259_7260del2ins13(E2420Vfs*2) is expected to be pathogenic in the context of primary ciliary dyskinesia, DNAH5-related. This variant is predicted to lead to an abnormal or absent protein product due to the creation of a premature termination codon in DNAH5, a gene where loss-of-function variants are known to be pathogenic. Please note: this variant was assessed in the context of healthy population screening.